The following is an entry in ClinVar:

ClinVar aggregate classification (germline): Uncertain significance. Review status: criteria provided, multiple submitters, no conflicts (2 of 4 stars). 2 submissions from 2 submitters: Uncertain significance (2). Last evaluated 2021-08-20.

Conditions:
Inborn genetic diseases. Identifiers: MedGen C0950123, MeSH D030342.
Cortical dysplasia-focal epilepsy syndrome (PTHSL1). Also called: Pitt-Hopkins-like syndrome 1. Identifiers: Orphanet 163681, Orphanet 221150, MedGen C2750246, MONDO:0012400, OMIM 610042.

Allele frequency attached by ClinVar (database versions not stated): gnomAD exomes below 0.00001 and 0.00001; gnomAD 0.00001 and 0.00002; TOPMed 0.00001.
gnomAD v4.1: 6 of 1,613,972 alleles (0.00037%); highest among the groups gnomAD compares: Admixed American, 0.005%; no homozygotes.

Submissions (2):

Labcorp Genetics (formerly Invitae), Labcorp
Classification: Uncertain significance for Cortical dysplasia-focal epilepsy syndrome. Last evaluated: 2021-08-20. Review status: criteria provided, single submitter. Criteria: Invitae Variant Classification Sherloc (09022015). Collection method: clinical testing. Allele origin: germline.
Comment: This sequence change replaces glycine with alanine at codon 787 of the CNTNAP2 protein (p.Gly787Ala). The glycine residue is highly conserved and there is a small physicochemical difference between glycine and alanine. This variant is not present in population databases (ExAC no frequency). This variant has not been reported in the literature in individuals affected with CNTNAP2-related conditions. Algorithms developed to predict the effect of missense changes on protein structure and function (SIFT, PolyPhen-2, Align-GVGD) all suggest that this variant is likely to be disruptive. In summary, the available evidence is currently insufficient to determine the role of this variant in disease. Therefore, it has been classified as a Variant of Uncertain Significance.

Ambry Genetics
Classification: Uncertain significance for Inborn genetic diseases. Last evaluated: 2019-08-27. Review status: criteria provided, single submitter. Criteria: Ambry Variant Classification Scheme 2023. Collection method: clinical testing. Allele origin: germline.
Comment: The p.G787A variant (also known as c.2360G>C), located in coding exon 15 of the CNTNAP2 gene, results from a G to C substitution at nucleotide position 2360. The glycine at codon 787 is replaced by alanine, an amino acid with similar properties. This amino acid position is highly conserved in available vertebrate species. In addition, the in silico prediction for this alteration is inconclusive. Since supporting evidence is limited at this time, the clinical significance of this alteration remains unclear.

NM_014141.6(CNTNAP2):c.2360G>C (p.Gly787Ala)

Gene: CNTNAP2 (contactin associated protein 2; plus strand). Cytogenetic location: 7q35.
Variant type: single nucleotide variant.
Coding change: c.2360G>C on transcript NM_014141.6 (MANE Select); coding-DNA position 2360, G replaced by C.
Protein change: p.Gly787Ala; replaces glycine 787 with alanine.
Molecular consequence: missense variant.
Genome position (GRCh38, 1-based): chr7:147,977,966, G>C. VCF-style: chr7-147977966-G-C. GRCh37 (hg19) VCF-style: chr7-147675058-G-C.
Other names: short protein forms G787A.
Identifiers: ClinVar variation 1001760 (VCV001001760.8), dbSNP rs929192800, ClinGen allele CA168795671.